The following is an entry in ClinVar:

NM_173076.3(ABCA12):c.1660C>T (p.Gln554Ter)

Gene: ABCA12 (ATP binding cassette subfamily A member 12; minus strand). Cytogenetic location: 2q35.
Variant type: single nucleotide variant.
Coding change: c.1660C>T on transcript NM_173076.3 (MANE Select); coding-DNA position 1660, C replaced by T.
Protein change: p.Gln554Ter; replaces glutamine 554 with a stop codon.
Molecular consequence: nonsense. On other transcripts: non-coding transcript variant (1).
Genome position (GRCh38, 1-based): chr2:215,018,130, G>A on the plus strand (C>T on the coding strand, the complement: ABCA12 is on the minus strand). VCF-style: chr2-215018130-G-A. GRCh37 (hg19) VCF-style: chr2-215882854-G-A.
Other names: c.706C>T, p.Gln236Ter (NM_015657.4); short protein forms Q554*, Q236*.
Identifiers: ClinVar variation 265002 (VCV000265002.2), dbSNP rs886039296, ClinGen allele CA10588334.

ClinVar aggregate classification (germline): Likely pathogenic (1 of 4 stars; one submission).

Allele frequency attached by ClinVar (database versions not stated): TOPMed below 0.00001.

Submission:

GeneDx
Classification: Likely pathogenic. Last evaluated: 2015-10-26. Review status: criteria provided, single submitter. Criteria: GeneDx Variant Classification (06012015). Collection method: clinical testing. Allele origin: germline. Affected: yes.
Comment: Albeit the Q554X variant in the ABCA12 gene has not been reported previously, it is predicted to cause loss of normal protein function either through protein truncation or nonsense-mediated mRNA decay. Protein truncating pathogenic variants downstream of this variant have been reported in the Human Gene Mutation Database in association with harlequin ichthyosis (Stenson et al., 2014), supporting the pathogenicity of more upstream truncating variants. The Q554X variant was not observed in approximately 6,500 individuals of European and African American ancestry in the NHLBI Exome Sequencing Project, further supporting that it is not a common benign variant in these populations. We interpret Q554X as a strong candidate for a pathogenic variant; however, the possibility that it may be a rare benign variant cannot be excluded.